The following is an entry in ClinVar:

ClinVar aggregate classification (germline): Uncertain significance (1 of 4 stars; one submission).

Conditions:
Hereditary cancer-predisposing syndrome. Also called: Neoplastic Syndromes, Hereditary; Tumor predisposition; Hereditary Cancer Syndrome; Hereditary neoplastic syndrome. Identifiers: Orphanet 140162, MedGen C0027672, MeSH D009386, MONDO:0015356.

Submission:

Color Diagnostics, LLC DBA Color Health
Classification: Uncertain significance for Hereditary cancer-predisposing syndrome. Last evaluated: 2023-11-06. Review status: criteria provided, single submitter. Criteria: ACMG Guidelines, 2015. Collection method: clinical testing. Allele origin: germline.
Comment: This missense variant replaces glutamine with proline at codon 615 of the BARD1 protein. Computational prediction suggests that this variant may not impact protein structure and function (internally defined REVEL score threshold <= 0.5, PMID: 27666373). To our knowledge, functional studies have not been reported for this variant. This variant has not been reported in individuals affected with BARD1-related disorders in the literature. This variant has not been identified in the general population by the Genome Aggregation Database (gnomAD). The available evidence is insufficient to determine the role of this variant in disease conclusively. Therefore, this variant is classified as a Variant of Uncertain Significance.

NM_000465.4(BARD1):c.1844A>C (p.Gln615Pro)

Gene: BARD1 (BRCA1 associated RING domain 1; minus strand). Cytogenetic location: 2q35.
Variant type: single nucleotide variant.
Coding change: c.1844A>C on transcript NM_000465.4 (MANE Select); coding-DNA position 1844, A replaced by C.
Protein change: p.Gln615Pro; replaces glutamine 615 with proline.
Molecular consequence: missense variant. On other transcripts: non-coding transcript variant (3), intron variant (1).
Genome position (GRCh38, 1-based): chr2:214,745,126, T>G on the plus strand (A>C on the coding strand, the complement: BARD1 is on the minus strand). VCF-style: chr2-214745126-T-G. GRCh37 (hg19) VCF-style: chr2-215609850-T-G.
Other names: c.1787A>C, p.Gln596Pro (NM_001282543.2); c.491A>C, p.Gln164Pro (NM_001282545.2); c.434A>C, p.Gln145Pro (NM_001282548.2); c.365-14618A>C (NM_001282549.2); short protein forms Q145P, Q596P, Q615P, Q164P.
Identifiers: ClinVar variation 2774777 (VCV002774777.2), dbSNP rs764418221, ClinGen allele CA350452231.